The following is an entry in ClinVar:

NM_016360.4(TACO1):c.847C>G (p.Leu283Val)

Gene: TACO1 (translational activator of cytochrome c oxidase I; plus strand). Cytogenetic location: 17q23.3.
Variant type: single nucleotide variant.
Coding change: c.847C>G on transcript NM_016360.4 (MANE Select); coding-DNA position 847, C replaced by G.
Protein change: p.Leu283Val; replaces leucine 283 with valine.
Molecular consequence: missense variant.
Genome position (GRCh38, 1-based): chr17:63,607,955, C>G. VCF-style: chr17-63607955-C-G. GRCh37 (hg19) VCF-style: chr17-61685315-C-G.
Other names: c.847C>G (NM_016360.3); short protein forms L283V.
Identifiers: ClinVar variation 1380080 (VCV001380080.7), dbSNP rs761189530, ClinGen allele CA8702246.

ClinVar aggregate classification (germline): Uncertain significance. Review status: criteria provided, multiple submitters, no conflicts (2 of 4 stars). 3 submissions from 3 submitters: Uncertain significance (3). Last evaluated 2025-06-07.

Conditions:
Inborn genetic diseases. Identifiers: MedGen C0950123, MeSH D030342.
Mitochondrial complex IV deficiency, nuclear type 8. Also called: Mitochondrial complex 4 deficiency, nuclear type 8. Identifiers: MedGen C5436689, MONDO:0033638, OMIM 619052.

Allele frequency attached by ClinVar (database versions not stated): ExAC 0.00001; gnomAD exomes 0.00001.
gnomAD v4.1: 5 of 1,614,204 alleles (0.00031%); highest among the groups gnomAD compares: Admixed American, 0.0017%; no homozygotes.

Submissions (3):

Ambry Genetics
Classification: Uncertain significance for Inborn genetic diseases. Last evaluated: 2025-06-07. Review status: criteria provided, single submitter. Criteria: Ambry Variant Classification Scheme 2023. Collection method: clinical testing. Allele origin: germline.

Fulgent Genetics
Classification: Uncertain significance for Mitochondrial complex IV deficiency, nuclear type 8. Last evaluated: 2021-10-25. Review status: criteria provided, single submitter. Criteria: ACMG Guidelines, 2015. Collection method: clinical testing. Allele origin: unknown.

Labcorp Genetics (formerly Invitae), Labcorp
Classification: Uncertain significance. Last evaluated: 2021-09-24. Review status: criteria provided, single submitter. Criteria: Invitae Variant Classification Sherloc (09022015). Collection method: clinical testing. Allele origin: germline.
Comment: This variant is present in population databases (rs761189530, ExAC 0.001%). This variant has not been reported in the literature in individuals affected with TACO1-related conditions. Algorithms developed to predict the effect of missense changes on protein structure and function are either unavailable or do not agree on the potential impact of this missense change (SIFT: "Deleterious"; PolyPhen-2: "Probably Damaging"; Align-GVGD: "Class C15"). In summary, the available evidence is currently insufficient to determine the role of this variant in disease. Therefore, it has been classified as a Variant of Uncertain Significance. This sequence change replaces leucine with valine at codon 283 of the TACO1 protein (p.Leu283Val). The leucine residue is highly conserved and there is a small physicochemical difference between leucine and valine.